The following is an entry in ClinVar:

ClinVar aggregate classification (germline): Conflicting classifications of pathogenicity. Review status: criteria provided, conflicting classifications (1 of 4 stars). 2 submissions from 2 submitters: Uncertain significance (1); Likely benign (1). Last evaluated 2025-08-31.

Submissions (2):

Ambry Genetics
Classification: Uncertain significance. Last evaluated: 2025-08-31. Review status: criteria provided, single submitter. Criteria: Ambry Variant Classification Scheme 2023. Collection method: clinical testing. Allele origin: germline.

CeGaT Center for Human Genetics Tuebingen
Classification: Likely benign. Last evaluated: 2024-09-01. Review status: criteria provided, single submitter. Criteria: CeGaT Center For Human Genetics Tuebingen Variant Classification Criteria Version 2. Collection method: clinical testing. Allele origin: germline. Affected: yes. Observed: 1 variant allele.
Comment: AGBL1: BP4, BS1

NM_001386094.1(AGBL1):c.1352C>A (p.Ser451Tyr)

Gene: AGBL1 (AGBL carboxypeptidase 1; plus strand). Cytogenetic location: 15q25.3.
Variant type: single nucleotide variant.
Coding change: c.1352C>A on transcript NM_001386094.1 (MANE Select); coding-DNA position 1352, C replaced by A.
Protein change: p.Ser451Tyr; replaces serine 451 with tyrosine.
Molecular consequence: missense variant.
Genome position (GRCh38, 1-based): chr15:86,264,523, C>A. VCF-style: chr15-86264523-C-A. GRCh37 (hg19) VCF-style: chr15-86807754-C-A.
Other names: c.1352C>A, p.Ser451Tyr (NM_152336.4); c.1214C>A (NM_152336.2); short protein forms S451Y.
Identifiers: ClinVar variation 3388595 (VCV003388595.15).